The following is an entry in ClinVar:

NM_173076.3(ABCA12):c.4300A>G (p.Thr1434Ala)

Gene: ABCA12 (ATP binding cassette subfamily A member 12; minus strand). Cytogenetic location: 2q35.
Variant type: single nucleotide variant.
Coding change: c.4300A>G on transcript NM_173076.3 (MANE Select); coding-DNA position 4300, A replaced by G.
Protein change: p.Thr1434Ala; replaces threonine 1434 with alanine.
Molecular consequence: missense variant. On other transcripts: non-coding transcript variant (1).
Genome position (GRCh38, 1-based): chr2:214,983,729, T>C on the plus strand (A>G on the coding strand, the complement: ABCA12 is on the minus strand). VCF-style: chr2-214983729-T-C. GRCh37 (hg19) VCF-style: chr2-215848453-T-C.
Other names: c.3346A>G, p.Thr1116Ala (NM_015657.4); short protein forms T1116A, T1434A.
Identifiers: ClinVar variation 3336246 (VCV003336246.1).
Genomic context (GRCh38, chr2:214,983,729, plus strand): 5'-GCTTTTTAGTCCAGTGAGGAACTTTGATGGAACCATATAGGAGAAGGTGCTCCTTAGTAG[T>C]GAGGTAACTGAACAAGACGTCGTGCTGCATACAGACTCCCATGTTCTTCCGTACCGTGTG-3'
Protein context (NP_775099.2, residues 1424-1444): MQHDVLFSYL[Thr1434Ala]TKEHLLLYGS

ClinVar aggregate classification (germline): Uncertain significance (1 of 4 stars; one submission).

Submission:

Women's Health and Genetics/Laboratory Corporation of America, LabCorp
Classification: Uncertain significance. Last evaluated: 2024-05-02. Review status: criteria provided, single submitter. Criteria: LabCorp Variant Classification Summary - May 2015. Collection method: clinical testing. Allele origin: germline.
Comment: Variant summary: ABCA12 c.4300A>G (p.Thr1434Ala) results in a non-conservative amino acid change located in the ABC transporter-like, ATP-binding domain (IPR003439) of the encoded protein sequence. Five of five in-silico tools predict a damaging effect of the variant on protein function. The variant was absent in 251318 control chromosomes. The available data on variant occurrences in the general population are insufficient to allow any conclusion about variant significance. c.4300A>G has been reported in the literature in the compound heterozygous state in at least one individual affected with congenital ichthyosiform erythroderma (e.g. Yang_2020). These data do not allow any conclusion about variant significance. To our knowledge, no experimental evidence demonstrating an impact on protein function has been reported. The following publication has been ascertained in the context of this evaluation (PMID: 32851342). No submitters have cited clinical-significance assessments for this variant to ClinVar. Based on the evidence outlined above, the variant was classified as uncertain significance.

Literature cited by the submitters: PubMed 32851342.